The following is an entry in ClinVar:

NM_020297.4(ABCC9):c.1978C>T (p.Arg660Trp)

Gene: ABCC9 (ATP binding cassette subfamily C member 9; minus strand). Cytogenetic location: 12p12.1.
Variant type: single nucleotide variant.
Coding change: c.1978C>T on transcript NM_020297.4 (MANE Select); coding-DNA position 1978, C replaced by T.
Protein change: p.Arg660Trp; replaces arginine 660 with tryptophan.
Molecular consequence: missense variant.
Genome position (GRCh38, 1-based): chr12:21,882,807, G>A on the plus strand (C>T on the coding strand, the complement: ABCC9 is on the minus strand). VCF-style: chr12-21882807-G-A. GRCh37 (hg19) VCF-style: chr12-22035741-G-A.
Other names: c.1978C>T, p.Arg660Trp (NM_001377273.1, NM_005691.4); c.1114C>T, p.Arg372Trp (NM_001377274.1); short protein forms R660W, R372W.
Identifiers: ClinVar variation 191034 (VCV000191034.15), dbSNP rs760889253, ClinGen allele CA235875.
Genomic context (GRCh38, chr12:21,882,807, plus strand): 5'-TCCAGGAAATAAAAATAACCTTTATTGCAATGTCCTCTGTTTCTGCGGGACGTAGACGCC[G>A]TGTTGATTGCTCATAGCTGTCCAGGTGATATCTTCCAGGCTGTTTCCTGTTTATAGTTTT-3'
Protein context (NP_064693.2, residues 650-670): YHLDSYEQST[Arg660Trp]RLRPAETEDI

ClinVar aggregate classification (germline): Uncertain significance. Review status: criteria provided, multiple submitters, no conflicts (2 of 4 stars). 7 submissions from 7 submitters: Uncertain significance (6). 1 of the submissions does not count toward it. Last evaluated 2026-01-18.

Conditions:
Atrial fibrillation, familial, 12 (ATFB12). Identifiers: MedGen C3279695, MONDO:0013545, OMIM 614050.
Intellectual disability and myopathy syndrome (IDMYS). Identifiers: MedGen C5676904, MONDO:0859224, OMIM 619719.
Hypertrichotic osteochondrodysplasia Cantu type. Also called: Cantú Syndrome; Cantu Syndrome. Identifiers: Orphanet 1517, MedGen C0795905, MONDO:0009406, OMIM 239850.
Dilated cardiomyopathy 1O (CMD1O). Also called: CARDIOMYOPATHY, DILATED, WITH VENTRICULAR TACHYCARDIA. Identifiers: Orphanet 154, MedGen C1837839, MONDO:0012062, OMIM 608569.
Cardiovascular phenotype. Identifiers: MedGen CN230736.
Type 2 diabetes mellitus. Also called: Type II diabetes mellitus. Identifiers: MedGen C0011860, MeSH D003924, MONDO:0005148, OMIM 125853, HP:0005978.

Allele frequency attached by ClinVar (database versions not stated): gnomAD 0.00001; ExAC 0.00002; TOPMed 0.00002.
gnomAD v4.1: 21 of 1,613,842 alleles (0.0013%); highest among the groups gnomAD compares: Admixed American, 0.01%; no homozygotes.

Submissions (7):

Labcorp Genetics (formerly Invitae), Labcorp
Classification: Uncertain significance for Dilated cardiomyopathy 1O. Last evaluated: 2026-01-18. Review status: criteria provided, single submitter. Criteria: Invitae Variant Classification Sherloc (09022015). Collection method: clinical testing. Allele origin: germline.
Comment: This sequence change replaces arginine, which is basic and polar, with tryptophan, which is neutral and slightly polar, at codon 660 of the ABCC9 protein (p.Arg660Trp). This variant is present in population databases (rs760889253, gnomAD 0.009%). This variant has not been reported in the literature in individuals affected with ABCC9-related conditions. ClinVar contains an entry for this variant (Variation ID: 191034). Invitae Evidence Modeling of protein sequence and biophysical properties (such as structural, functional, and spatial information, amino acid conservation, physicochemical variation, residue mobility, and thermodynamic stability) indicates that this missense variant is not expected to disrupt ABCC9 protein function with a negative predictive value of 95%. In summary, the available evidence is currently insufficient to determine the role of this variant in disease. Therefore, it has been classified as a Variant of Uncertain Significance.

Genomic Medicine Center of Excellence, King Faisal Specialist Hospital and Research Centre
Classification: Uncertain significance. Last evaluated: 2024-03-08. Review status: criteria provided, single submitter. Criteria: ACMG Guidelines, 2015. Collection method: research. Allele origin: germline. Affected: yes.
Comment: The variant is downgraded to VUS based on updated frequency (PMID: 31130284)

Blueprint Genetics
Classification: Uncertain significance. Last evaluated: 2023-04-04. Review status: criteria provided, single submitter. Criteria: ACMG Guidelines, 2015. Collection method: clinical testing. Allele origin: germline.

Ambry Genetics
Classification: Uncertain significance for Cardiovascular phenotype. Last evaluated: 2022-08-16. Review status: criteria provided, single submitter. Criteria: Ambry Variant Classification Scheme 2023. Collection method: clinical testing. Allele origin: germline.
Comment: The p.R660W variant (also known as c.1978C>T), located in coding exon 14 of the ABCC9 gene, results from a C to T substitution at nucleotide position 1978. The arginine at codon 660 is replaced by tryptophan, an amino acid with dissimilar properties. This alteration has been reported in an exome sequencing cohort (Monies D et al. Am J Hum Genet, 2019 06;104:1182-1201). This amino acid position is well conserved in available vertebrate species. In addition, the in silico prediction for this alteration is inconclusive. Since supporting evidence is limited at this time, the clinical significance of this alteration remains unclear.

Fulgent Genetics
Classification: Uncertain significance for Hypertrichotic osteochondrodysplasia Cantu type; Dilated cardiomyopathy 1O; Atrial fibrillation, familial, 12; Intellectual disability and myopathy syndrome. Last evaluated: 2021-08-12. Review status: criteria provided, single submitter. Criteria: ACMG Guidelines, 2015. Collection method: clinical testing. Allele origin: unknown.

Revvity Omics, Revvity
Classification: Uncertain significance. Last evaluated: 2020-01-07. Review status: criteria provided, single submitter. Criteria: ACMG Guidelines, 2015. Collection method: clinical testing. Allele origin: germline.

Gene Friend Way, National Innovation Center
Classification: Uncertain significance for Type 2 diabetes mellitus. Last evaluated: 2025-01-01. Review status: no assertion criteria provided. Collection method: clinical testing. Allele origin: unknown. Affected: yes. Observed: 1 variant allele. Not counted in ClinVar's aggregate classification.
Comment: The ABCC9 gene encodes sulfonylurea receptor 2 (SUR2) protein, a subunit of ATP-sensitive potassium (K-ATP) channels, which play a central role in regulating insulin secretion and glucose homeostasis (PMID: 16075046). However, in silico analysis indicates that this missense variant is not expected to disrupt ABCC9 protein function and the available evidence is currently insufficient to determine the role of this variant in disease.

Literature cited by the submitters: PubMed 31130284 (cited by Genomic Medicine Center of Excellence, King Faisal Specialist Hospital and Research Centre and Ambry Genetics); PubMed 16075046 (cited by Gene Friend Way, National Innovation Center).